The following is an entry in ClinVar:

NM_001162501.2(TNRC6B):c.2938G>A (p.Ala980Thr)

Gene: TNRC6B (trinucleotide repeat containing adaptor 6B; plus strand). Cytogenetic location: 22q13.1.
Variant type: single nucleotide variant.
Coding change: c.2938G>A on transcript NM_001162501.2 (MANE Select); coding-DNA position 2938, G replaced by A.
Protein change: p.Ala980Thr; replaces alanine 980 with threonine.
Molecular consequence: missense variant. On other transcripts: intron variant (1).
Genome position (GRCh38, 1-based): chr22:40,270,253, G>A. VCF-style: chr22-40270253-G-A. GRCh37 (hg19) VCF-style: chr22-40666257-G-A.
Other names: c.697G>A, p.Ala233Thr (NM_001024843.2); c.2807-3172G>A (NM_015088.3); short protein forms A233T, A980T.
Identifiers: ClinVar variation 2515201 (VCV002515201.3), dbSNP rs527433603, ClinGen allele CA10246923.

ClinVar aggregate classification (germline): Likely benign. Review status: criteria provided, multiple submitters, no conflicts (2 of 4 stars). 2 submissions from 2 submitters: Likely benign (2). Last evaluated 2026-03-16.

Conditions:
TNRC6B-related disorder. Also called: TNRC6B-related condition.
Inborn genetic diseases. Identifiers: MedGen C0950123, MeSH D030342.

Allele frequency attached by ClinVar (database versions not stated): gnomAD exomes 0.00003; TOPMed 0.00010; gnomAD 0.00015; ExAC 0.00023; 1000 Genomes Project 0.00040; 1000 Genomes Project 30x 0.00047.
gnomAD v4.1: 62 of 1,476,828 alleles (0.0042%); highest among the groups gnomAD compares: Admixed American, 0.041%; no homozygotes.

Submissions (2):

PreventionGenetics, part of Exact Sciences
Classification: Likely benign for TNRC6B-related condition. Last evaluated: 2026-03-16. Review status: criteria provided, single submitter. Criteria: ACMG Guidelines, 2015. Collection method: clinical testing. Allele origin: germline.
Comment: This variant is classified as likely benign based on ACMG/AMP sequence variant interpretation guidelines (Richards et al. 2015 PMID: 25741868, with internal and published modifications).

Ambry Genetics
Classification: Likely benign for Inborn genetic diseases. Last evaluated: 2023-05-18. Review status: criteria provided, single submitter. Criteria: Ambry Variant Classification Scheme 2023. Collection method: clinical testing. Allele origin: germline.